The following is an entry in ClinVar:

ClinVar aggregate classification (germline): Uncertain significance (1 of 4 stars; one submission).

Allele frequency attached by ClinVar (database versions not stated): ExAC 0.00001; TOPMed 0.00002; ESP Exome Variant Server 0.00008.
gnomAD v4.1: 14 of 1,614,122 alleles (0.00087%); highest among the groups gnomAD compares: South Asian, 0.0066%; no homozygotes.

Submission:

Labcorp Genetics (formerly Invitae), Labcorp
Classification: Uncertain significance. Last evaluated: 2022-05-22. Review status: criteria provided, single submitter. Criteria: Invitae Variant Classification Sherloc (09022015). Collection method: clinical testing. Allele origin: germline.
Comment: In summary, the available evidence is currently insufficient to determine the role of this variant in disease. Therefore, it has been classified as a Variant of Uncertain Significance. Algorithms developed to predict the effect of missense changes on protein structure and function are either unavailable or do not agree on the potential impact of this missense change (SIFT: "Deleterious"; PolyPhen-2: "Probably Damaging"; Align-GVGD: "Class C0"). This variant has not been reported in the literature in individuals affected with WNT2B-related conditions. This variant is present in population databases (rs144189370, gnomAD 0.008%). This sequence change replaces arginine, which is basic and polar, with histidine, which is basic and polar, at codon 351 of the WNT2B protein (p.Arg351His).

NM_024494.3(WNT2B):c.1052G>A (p.Arg351His)

Genes: ST7L (suppression of tumorigenicity 7 like; minus strand), WNT2B (Wnt family member 2B; plus strand). Cytogenetic location: 1p13.2.
Variant type: single nucleotide variant.
Coding change: c.1052G>A on transcript NM_024494.3 (MANE Select); coding-DNA position 1052, G replaced by A.
Protein change: p.Arg351His; replaces arginine 351 with histidine.
Molecular consequence: missense variant.
Genome position (GRCh38, 1-based): chr1:112,520,385, G>A. VCF-style: chr1-112520385-G-A. GRCh37 (hg19) VCF-style: chr1-113063007-G-A.
Other names: c.776G>A, p.Arg259His (NM_001291880.1); c.995G>A, p.Arg332His (NM_004185.4); short protein forms R259H, R332H, R351H.
Identifiers: ClinVar variation 1974920 (VCV001974920.4), dbSNP rs144189370, ClinGen allele CA1008426.